The following is an entry in ClinVar:

ClinVar aggregate classification (germline): Uncertain significance. Review status: criteria provided, single submitter (1 of 4 stars). 2 submissions from 2 submitters: Uncertain significance (1). 1 of the submissions does not count toward it. Last evaluated 2022-07-14.

Conditions:
Usher syndrome type 1F (USH1F). Also called: USHER SYNDROME, TYPE IF. Identifiers: Orphanet 231169, Orphanet 886, MedGen C1865885, MONDO:0011186, OMIM 602083.

Submissions (2):

Labcorp Genetics (formerly Invitae), Labcorp
Classification: Uncertain significance. Last evaluated: 2022-07-14. Review status: criteria provided, single submitter. Criteria: Invitae Variant Classification Sherloc (09022015). Collection method: clinical testing. Allele origin: germline.
Comment: In summary, the available evidence is currently insufficient to determine the role of this variant in disease. Therefore, it has been classified as a Variant of Uncertain Significance. ClinVar contains an entry for this variant (Variation ID: 557747). This variant has not been reported in the literature in individuals affected with PCDH15-related conditions. This variant is not present in population databases (gnomAD no frequency). This variant, c.4895_4897dup, results in the insertion of 1 amino acid(s) of the PCDH15 protein (p.Asn1632_Leu1633insTyr), but otherwise preserves the integrity of the reading frame.

Counsyl
Classification: Uncertain significance for Usher syndrome type 1F. Last evaluated: 2018-04-06. Review status: no assertion criteria provided. Collection method: clinical testing. Allele origin: unknown. Not counted in ClinVar's aggregate classification.

NM_033056.4(PCDH15):c.4895_4897dup (p.Asn1632_Leu1633insTyr)

Gene: PCDH15 (protocadherin related 15; minus strand). Cytogenetic location: 10q21.1.
Variant type: Duplication.
Coding change: c.4895_4897dup on transcript NM_033056.4 (MANE Plus Clinical); coding-DNA positions 4895 to 4897, 3 bases duplicated (ATT; older notation c.4895_4897dupATT).
Protein change: p.Asn1632_Leu1633insTyr.
Molecular consequence: inframe insertion. On other transcripts: intron variant (8).
Genome position (GRCh38, 1-based): chr10:53,822,829-53,822,831, AAT duplicated on the plus strand (ATT on the coding strand, the reverse complement: PCDH15 is on the minus strand). VCF-style (leftmost placement, unchanged base first): chr10-53822828-A-AAAT. GRCh37 (hg19) VCF-style: chr10-55582588-A-AAAT.
Other names: c.4373+2305_4373+2307dup (NM_001142772.2, NM_001142770.3); c.4388+2305_4388+2307dup (NM_001142771.2); c.4388+4562_4388+4564dup (NM_001354411.2); c.4409+2305_4409+2307dup (NM_001142769.3); c.4916_4918dup, p.Asn1639_Leu1640insTyr (NM_001142763.2); c.4901_4903dup, p.Asn1634_Leu1635insTyr (NM_001142764.2); c.4688_4690dup, p.Asn1563_Leu1564insTyr (NM_001142765.2); c.4886_4888dup, p.Asn1629_Leu1630insTyr (NM_001142766.2); and 7 more.
Identifiers: ClinVar variation 557747 (VCV000557747.6), dbSNP rs1554820541, ClinGen allele CA469547094.